The following is an entry in ClinVar:

ClinVar aggregate classification (germline): Likely benign. Review status: criteria provided, single submitter (1 of 4 stars). 2 submissions from 2 submitters: Likely benign (1). 1 of the submissions does not count toward it. Last evaluated 2023-09-01.

Conditions:
Charcot-Marie-Tooth disease axonal type 2O. Also called: CHARCOT-MARIE-TOOTH NEUROPATHY, AXONAL, TYPE 2O; CHARCOT-MARIE-TOOTH DISEASE, AXONAL, AUTOSOMAL DOMINANT, TYPE 2O; Charcot-Marie-Tooth Neuropathy Type 2O; Charcot-Marie-Tooth disease, axonal, type 20. Identifiers: Orphanet 284232, MedGen C3280220, MONDO:0013644, OMIM 614228.
DYNC1H1-related disorder. Also called: DYNC1H1-related condition; DYNC1H1-related disorders. Identifiers: MedGen CN381529.

Allele frequency attached by ClinVar (database versions not stated): TOPMed 0.00002.
gnomAD v4.1: 13 of 1,614,144 alleles (0.00081%); highest among the groups gnomAD compares: South Asian, 0.011%; no homozygotes.

Submissions (2):

Labcorp Genetics (formerly Invitae), Labcorp
Classification: Likely benign for Charcot-Marie-Tooth disease axonal type 2O. Last evaluated: 2023-09-01. Review status: criteria provided, single submitter. Criteria: Invitae Variant Classification Sherloc (09022015). Collection method: clinical testing. Allele origin: germline.

PreventionGenetics, part of Exact Sciences
Classification: Likely benign for DYNC1H1-related condition. Last evaluated: 2022-05-09. Review status: no assertion criteria provided. Collection method: clinical testing. Allele origin: germline. Not counted in ClinVar's aggregate classification.
Comment: This variant is classified as likely benign based on ACMG/AMP sequence variant interpretation guidelines (Richards et al. 2015 PMID: 25741868, with internal and published modifications).

NM_001376.5(DYNC1H1):c.3642C>T (p.Ile1214=)

Gene: DYNC1H1 (dynein cytoplasmic 1 heavy chain 1; plus strand). Cytogenetic location: 14q32.31.
Variant type: single nucleotide variant.
Coding change: c.3642C>T on transcript NM_001376.5 (MANE Select); coding-DNA position 3642, C replaced by T.
Protein change: p.Ile1214=; no amino-acid change (isoleucine 1214 retained).
Molecular consequence: synonymous variant.
Genome position (GRCh38, 1-based): chr14:101,997,112, C>T. VCF-style: chr14-101997112-C-T. GRCh37 (hg19) VCF-style: chr14-102463449-C-T.
Identifiers: ClinVar variation 539800 (VCV000539800.10), dbSNP rs778273904, ClinGen allele CA7352061.